The following is an entry in ClinVar:

ClinVar aggregate classification (germline): Uncertain significance. Review status: criteria provided, multiple submitters, no conflicts (2 of 4 stars). 2 submissions from 2 submitters: Uncertain significance (2). Last evaluated 2025-11-03.

Conditions:
Inborn genetic diseases. Identifiers: MedGen C0950123, MeSH D030342.

Allele frequency attached by ClinVar (database versions not stated): TOPMed below 0.00001; ExAC 0.00001; ESP Exome Variant Server 0.00008.
gnomAD v4.1: 18 of 1,614,004 alleles (0.0011%); highest among the groups gnomAD compares: Non-Finnish European, 0.0014%; no homozygotes.

Submissions (2):

Ambry Genetics
Classification: Uncertain significance for Inborn genetic diseases. Last evaluated: 2025-11-03. Review status: criteria provided, single submitter. Criteria: Ambry Variant Classification Scheme 2023. Collection method: clinical testing. Allele origin: germline.

Labcorp Genetics (formerly Invitae), Labcorp
Classification: Uncertain significance. Last evaluated: 2023-08-10. Review status: criteria provided, single submitter. Criteria: Invitae Variant Classification Sherloc (09022015). Collection method: clinical testing. Allele origin: germline.
Comment: In summary, the available evidence is currently insufficient to determine the role of this variant in disease. Therefore, it has been classified as a Variant of Uncertain Significance. Advanced modeling of protein sequence and biophysical properties (such as structural, functional, and spatial information, amino acid conservation, physicochemical variation, residue mobility, and thermodynamic stability) performed at Invitae indicates that this missense variant is not expected to disrupt CNGA1 protein function. ClinVar contains an entry for this variant (Variation ID: 2195402). This variant has not been reported in the literature in individuals affected with CNGA1-related conditions. This variant is present in population databases (rs373946784, gnomAD 0.0009%). This sequence change replaces alanine, which is neutral and non-polar, with serine, which is neutral and polar, at codon 528 of the CNGA1 protein (p.Ala528Ser).

NM_001379270.1(CNGA1):c.1570G>T (p.Ala524Ser)

Genes: CNGA1 (cyclic nucleotide gated channel subunit alpha 1; minus strand), LOC101927157 (uncharacterized LOC101927157; plus strand). Cytogenetic location: 4p12.
Variant type: single nucleotide variant.
Coding change: c.1570G>T on transcript NM_001379270.1 (MANE Select); coding-DNA position 1570, G replaced by T.
Protein change: p.Ala524Ser; replaces alanine 524 with serine.
Molecular consequence: missense variant.
Genome position (GRCh38, 1-based): chr4:47,936,912, C>A on the plus strand (G>T on the coding strand, the complement: CNGA1 is on the minus strand). VCF-style: chr4-47936912-C-A. GRCh37 (hg19) VCF-style: chr4-47938929-C-A.
Other names: c.1570G>T, p.Ala524Ser (NM_000087.5, NM_001142564.2); c.1582G>T (NM_000087.3); short protein forms A524S.
Identifiers: ClinVar variation 2195402 (VCV002195402.5), dbSNP rs373946784, ClinGen allele CA2911052.